The following is an entry in ClinVar:

ClinVar aggregate classification (germline): Uncertain significance. Review status: criteria provided, multiple submitters, no conflicts (2 of 4 stars). 4 submissions from 3 submitters: Uncertain significance (4). Last evaluated 2024-11-21.

Conditions:
Retinitis pigmentosa (RP). Identifiers: Orphanet 791, MedGen C0035334, MeSH D012174, MONDO:0019200, OMIM 268000. Inheritance: Autosomal dominant, autosomal recessive and X linked inheritance.
Oguchi disease. Also called: Oguchi's disease. Identifiers: Orphanet 75382, MedGen C1306122, MONDO:0019152.

Allele frequency attached by ClinVar (database versions not stated): TOPMed 0.00005; ExAC 0.00007; gnomAD exomes 0.00008 and 0.00010; gnomAD 0.00013 and 0.00014.
gnomAD v4.1: 130 of 1,613,758 alleles (0.0081%); highest among the groups gnomAD compares: Non-Finnish European, 0.0062%; 1 homozygote.

Submissions (4):

Blueprint Genetics
Classification: Uncertain significance. Last evaluated: 2024-11-21. Review status: criteria provided, single submitter. Criteria: ACMG Guidelines, 2015. Collection method: clinical testing. Allele origin: germline.

Labcorp Genetics (formerly Invitae), Labcorp
Classification: Uncertain significance. Last evaluated: 2024-04-27. Review status: criteria provided, single submitter. Criteria: Invitae Variant Classification Sherloc (09022015). Collection method: clinical testing. Allele origin: germline.
Comment: This sequence change replaces phenylalanine, which is neutral and non-polar, with leucine, which is neutral and non-polar, at codon 151 of the SAG protein (p.Phe151Leu). This variant is present in population databases (rs770558895, gnomAD 0.07%). This variant has not been reported in the literature in individuals affected with SAG-related conditions. ClinVar contains an entry for this variant (Variation ID: 897182). Advanced modeling of protein sequence and biophysical properties (such as structural, functional, and spatial information, amino acid conservation, physicochemical variation, residue mobility, and thermodynamic stability) performed at Invitae indicates that this missense variant is expected to disrupt SAG protein function with a positive predictive value of 80%. In summary, the available evidence is currently insufficient to determine the role of this variant in disease. Therefore, it has been classified as a Variant of Uncertain Significance.

Illumina Laboratory Services, Illumina
Classification: Uncertain significance for Oguchi disease-1. Last evaluated: 2018-01-13. Review status: criteria provided, single submitter. Criteria: ICSL Variant Classification Criteria 13 December 2019. Collection method: clinical testing. Allele origin: germline.

Illumina Laboratory Services, Illumina
Classification: Uncertain significance for Retinitis pigmentosa. Last evaluated: 2018-01-13. Review status: criteria provided, single submitter. Criteria: ICSL Variant Classification Criteria 13 December 2019. Collection method: clinical testing. Allele origin: germline.

NM_000541.5(SAG):c.453T>G (p.Phe151Leu)

Gene: SAG (S-antigen visual arrestin; plus strand). Cytogenetic location: 2q37.1.
Variant type: single nucleotide variant.
Coding change: c.453T>G on transcript NM_000541.5 (MANE Select); coding-DNA position 453, T replaced by G.
Protein change: p.Phe151Leu; replaces phenylalanine 151 with leucine.
Molecular consequence: missense variant.
Genome position (GRCh38, 1-based): chr2:233,327,138, T>G. VCF-style: chr2-233327138-T-G. GRCh37 (hg19) VCF-style: chr2-234235784-T-G.
Other names: short protein forms F151L.
Identifiers: ClinVar variation 897182 (VCV000897182.9), dbSNP rs770558895, ClinGen allele CA2174385.
Genomic context (GRCh38, chr2:233,327,138, plus strand): 5'-GGGAGTCGCTGATCGCTGCCTGTCTGCTCTCTCTCCCCAACAGTCCTGTGGGGTTGACTT[T>G]GAGGTCAAAGCATTCGCCACAGACAGCACCGATGCCGAAGAGGACAAAATCCCCAAGAAG-3'
Protein context (NP_000532.2, residues 141-161): QDSGKSCGVD[Phe151Leu]EVKAFATDST